The following is an entry in ClinVar:

ClinVar aggregate classification (germline): Uncertain significance. Review status: criteria provided, multiple submitters, no conflicts (2 of 4 stars). 2 submissions from 2 submitters: Uncertain significance (2). Last evaluated 2023-11-14.

Conditions:
Inborn genetic diseases. Identifiers: MedGen C0950123, MeSH D030342.

Allele frequency attached by ClinVar (database versions not stated): ExAC 0.00001; gnomAD exomes 0.00001; TOPMed 0.00001; gnomAD 0.00003.

Submissions (2):

Ambry Genetics
Classification: Uncertain significance for Inborn genetic diseases. Last evaluated: 2023-11-14. Review status: criteria provided, single submitter. Criteria: Ambry Variant Classification Scheme 2023. Collection method: clinical testing. Allele origin: germline.

Labcorp Genetics (formerly Invitae), Labcorp
Classification: Uncertain significance. Last evaluated: 2022-08-19. Review status: criteria provided, single submitter. Criteria: Invitae Variant Classification Sherloc (09022015). Collection method: clinical testing. Allele origin: germline.
Comment: In summary, the available evidence is currently insufficient to determine the role of this variant in disease. Therefore, it has been classified as a Variant of Uncertain Significance. Algorithms developed to predict the effect of missense changes on protein structure and function (SIFT, PolyPhen-2, Align-GVGD) all suggest that this variant is likely to be disruptive. This variant has not been reported in the literature in individuals affected with TRMT5-related conditions. This variant is present in population databases (rs773462071, gnomAD 0.01%). This sequence change replaces isoleucine, which is neutral and non-polar, with valine, which is neutral and non-polar, at codon 206 of the TRMT5 protein (p.Ile206Val).

NM_020810.3(TRMT5):c.616A>G (p.Ile206Val)

Gene: TRMT5 (tRNA methyltransferase 5; minus strand). Cytogenetic location: 14q23.1.
Variant type: single nucleotide variant.
Coding change: c.616A>G on transcript NM_020810.3 (MANE Select); coding-DNA position 616, A replaced by G.
Protein change: p.Ile206Val; replaces isoleucine 206 with valine.
Molecular consequence: missense variant.
Genome position (GRCh38, 1-based): chr14:60,979,282, T>C on the plus strand (A>G on the coding strand, the complement: TRMT5 is on the minus strand). VCF-style: chr14-60979282-T-C. GRCh37 (hg19) VCF-style: chr14-61446000-T-C.
Other names: c.700A>G, p.Ile234Val (NM_001350253.1); c.697A>G, p.Ile233Val (NM_001350254.1); c.616A>G (NM_020810.2); short protein forms I206V, I234V, I233V.
Identifiers: ClinVar variation 2098139 (VCV002098139.3), dbSNP rs773462071, ClinGen allele CA7213893.